The following is an entry in ClinVar:

NM_001001480.3(KRTAP5-5):c.552C>T (p.Cys184=)

Gene: KRTAP5-5 (keratin associated protein 5-5; plus strand). Cytogenetic location: 11p15.5.
Variant type: single nucleotide variant.
Coding change: c.552C>T on transcript NM_001001480.3 (MANE Select); coding-DNA position 552, C replaced by T.
Protein change: p.Cys184=; no amino-acid change (cysteine 184 retained).
Molecular consequence: synonymous variant.
Genome position (GRCh38, 1-based): chr11:1,630,392, C>T. VCF-style: chr11-1630392-C-T. GRCh37 (hg19) VCF-style: chr11-1651622-C-T.
Identifiers: ClinVar variation 4083616 (VCV004083616.8).
Genomic context (GRCh38, chr11:1,630,392, plus strand): 5'-CTGCTCCTCAGGCTGTGGGTCATCCTGCTGCCAGTCCAGCTGCTGTAAGCCTTACTGCTG[C>T]CAGTCCAGCTGCTGTAAGCCCTACTGCTGCCAGTCCAGCTGCTGTAAGCCCTGTAGCTGC-3'
Protein context (NP_001001480.2, residues 174-194): CQSSCCKPYC[Cys184=]QSSCCKPYCC

ClinVar aggregate classification (germline): Likely benign (1 of 4 stars; one submission).

Submission:

CeGaT Center for Human Genetics Tuebingen
Classification: Likely benign. Last evaluated: 2026-05-01. Review status: criteria provided, single submitter. Criteria: CeGaT Center For Human Genetics Tuebingen Variant Classification Criteria Version 2. Collection method: clinical testing. Allele origin: germline. Affected: yes. Observed: 3 variant alleles.
Comment: KRTAP5-5: BP4, BP7